The following is an entry in ClinVar:

ClinVar aggregate classification (germline): Pathogenic (1 of 4 stars; one submission).

Conditions:
Cardiovascular phenotype. Identifiers: MedGen CN230736.
Hereditary cancer-predisposing syndrome. Also called: Neoplastic Syndromes, Hereditary; Tumor predisposition; Hereditary Cancer Syndrome; Hereditary neoplastic syndrome. Identifiers: Orphanet 140162, MedGen C0027672, MeSH D009386, MONDO:0015356.

Submission:

Ambry Genetics
Classification: Pathogenic for Cardiovascular phenotype; Hereditary cancer-predisposing syndrome. Last evaluated: 2026-04-28. Review status: criteria provided, single submitter. Criteria: Ambry Variant Classification Scheme 2023. Collection method: clinical testing. Allele origin: germline.
Comment: The c.1607delC pathogenic mutation, located in coding exon 14 of the LZTR1 gene, results from a deletion of one nucleotide at nucleotide position 1607, causing a translational frameshift with a predicted alternate stop codon (p.P536Hfs*20). This variant is considered to be rare based on population cohorts in the Genome Aggregation Database (gnomAD). This alteration is expected to result in loss of function by premature protein truncation or nonsense-mediated mRNA decay. Based on the supporting evidence, this variant is pathogenic for an increased risk of LZTR1-related schwannomatosis (SWN) and would be expected to cause autosomal recessive Noonan syndrome when present along with a second pathogenic or likely pathogenic variant on the other allele; however, the association of this variant with autosomal dominant Noonan syndrome is unlikely.

NM_006767.4(LZTR1):c.1607del (p.Pro536fs)

Gene: LZTR1 (leucine zipper like post translational regulator 1; plus strand). Cytogenetic location: 22q11.21.
Variant type: Deletion.
Coding change: c.1607del on transcript NM_006767.4 (MANE Select); coding-DNA position 1607, one base deleted (C; older notation c.1607delC).
Protein change: p.Pro536fs; shifts the reading frame from proline 536.
Molecular consequence: frameshift variant.
Genome position (GRCh38, 1-based): chr22:20,994,261, C deleted; the last of 3 consecutive C bases (chr22:20,994,259-20,994,261); deleting any one gives the same sequence. VCF-style (leftmost placement, unchanged base first): chr22-20994258-AC-A. GRCh37 (hg19) VCF-style: chr22-21348547-AC-A.
Other names: short protein forms P536fs.
Identifiers: ClinVar variation 4859391 (VCV004859391.1).